The following is an entry in ClinVar:

NM_181552.4(CUX1):c.52A>T (p.Thr18Ser)

Gene: CUX1 (cut like homeobox 1; plus strand). Cytogenetic location: 7q22.1.
Variant type: single nucleotide variant.
Coding change: c.52A>T on transcript NM_181552.4 (MANE Select); coding-DNA position 52, A replaced by T.
Protein change: p.Thr18Ser; replaces threonine 18 with serine.
Molecular consequence: missense variant. On other transcripts: intron variant (1).
Genome position (GRCh38, 1-based): chr7:101,916,136, A>T. VCF-style: chr7-101916136-A-T. GRCh37 (hg19) VCF-style: chr7-101559416-A-T.
Other names: c.85A>T, p.Thr29Ser (NM_001202543.2, NM_001202544.3, NM_001202545.3 and 2 more transcripts); c.63+100043A>T (NM_001202546.3); short protein forms T18S, T29S.
Identifiers: ClinVar variation 4852307 (VCV004852307.1).

ClinVar aggregate classification (germline): Likely benign (1 of 4 stars; one submission).

Conditions:
Global developmental delay with or without impaired intellectual development. Identifiers: MedGen C5193032, MONDO:0032680, OMIM 618330.

gnomAD v4.1: 3 of 1,613,702 alleles (0.00019%); highest among the groups gnomAD compares: South Asian, 0.0022%; no homozygotes.

Submission:

Centre for Medical Genetics,  Mumbai
Classification: Likely benign for Global developmental delay with or without impaired intellectual development. Last evaluated: 2026-05-13. Review status: criteria provided, single submitter. Criteria: ACMG Guidelines, 2015. Collection method: provider interpretation. Allele origin: germline. Inheritance: Autosomal dominant inheritance. Affected: no. Observed: 1 variant allele, 1 heterozygote.
Comment: The variant satisfies PM2 criteria - extremely low frequency in gnomAD population databases. The variant satisfies PP2 criteria - missense variant in a gene with low rate of benign missense mutations and for which missense mutation is a common mechanism of a disease. The variant satisfies BP4 criteria - for a missense or a splice region variant, computational prediction tools unanimously support a benign effect on the gene. However, the variant satisfies BS2 criteria - present in heterozygous state in an individual that clinically does not have neurodevelopmental disorder with developmental delay.

Literature cited by the submitters: PubMed 30014507.